The following is an entry in ClinVar:

NM_138927.4(SON):c.3215G>A (p.Arg1072His)

Gene: SON (SON DNA and RNA binding protein; plus strand). Cytogenetic location: 21q22.11.
Variant type: single nucleotide variant.
Coding change: c.3215G>A on transcript NM_138927.4 (MANE Select); coding-DNA position 3215, G replaced by A.
Protein change: p.Arg1072His; replaces arginine 1072 with histidine.
Molecular consequence: missense variant. On other transcripts: non-coding transcript variant (1), intron variant (1).
Genome position (GRCh38, 1-based): chr21:33,552,446, G>A. VCF-style: chr21-33552446-G-A. GRCh37 (hg19) VCF-style: chr21-34924752-G-A.
Other names: c.3215G>A, p.Arg1072His (NM_001291411.2, NM_001412133.1, NM_032195.3 and 2 more transcripts); c.245-4710G>A (NM_001291412.3); short protein forms R1072H.
Identifiers: ClinVar variation 2172768 (VCV002172768.4), dbSNP rs754908537, ClinGen allele CA10009234.

ClinVar aggregate classification (germline): Uncertain significance (1 of 4 stars; one submission).

Allele frequency attached by ClinVar (database versions not stated): gnomAD exomes below 0.00001; ExAC 0.00001; gnomAD 0.00001; TOPMed 0.00002.
gnomAD v4.1: 6 of 1,613,726 alleles (0.00037%); highest among the groups gnomAD compares: African/African-American, 0.0013%; no homozygotes.

Submission:

Labcorp Genetics (formerly Invitae), Labcorp
Classification: Uncertain significance. Last evaluated: 2022-11-15. Review status: criteria provided, single submitter. Criteria: Invitae Variant Classification Sherloc (09022015). Collection method: clinical testing. Allele origin: germline.
Comment: This variant is present in population databases (rs754908537, gnomAD 0.003%). This sequence change replaces arginine, which is basic and polar, with histidine, which is basic and polar, at codon 1072 of the SON protein (p.Arg1072His). In summary, the available evidence is currently insufficient to determine the role of this variant in disease. Therefore, it has been classified as a Variant of Uncertain Significance. Algorithms developed to predict the effect of missense changes on protein structure and function are either unavailable or do not agree on the potential impact of this missense change (SIFT: "Deleterious"; PolyPhen-2: "Probably Damaging"; Align-GVGD: "Class C0"). This variant has not been reported in the literature in individuals affected with SON-related conditions.